The following is an entry in ClinVar:

NM_024577.4(SH3TC2):c.2671G>A (p.Ala891Thr)

Gene: SH3TC2 (SH3 domain and tetratricopeptide repeats 2; minus strand). Cytogenetic location: 5q32.
Variant type: single nucleotide variant.
Coding change: c.2671G>A on transcript NM_024577.4 (MANE Select); coding-DNA position 2671, G replaced by A.
Protein change: p.Ala891Thr; replaces alanine 891 with threonine.
Molecular consequence: missense variant.
Genome position (GRCh38, 1-based): chr5:149,027,061, C>T on the plus strand (G>A on the coding strand, the complement: SH3TC2 is on the minus strand). VCF-style: chr5-149027061-C-T. GRCh37 (hg19) VCF-style: chr5-148406624-C-T.
Other names: p.Ala891Thr; short protein forms A891T.
Identifiers: ClinVar variation 219705 (VCV000219705.11), dbSNP rs779223727, ClinGen allele CA350215.

ClinVar aggregate classification (germline): Uncertain significance. Review status: criteria provided, multiple submitters, no conflicts (2 of 4 stars). 6 submissions from 5 submitters: Uncertain significance (6). Last evaluated 2023-06-16.

Conditions:
Inborn genetic diseases. Identifiers: MedGen C0950123, MeSH D030342.
Charcot-Marie-Tooth disease type 4. Also called: Charcot-Marie-Tooth, Type 4; Charcot-Marie-Tooth disease, type IV. Identifiers: Orphanet 64749, MedGen C4082197, MONDO:0018995.
Susceptibility to mononeuropathy of the median nerve, mild. Also called: CARPAL TUNNEL SYNDROME, SUSCEPTIBILITY TO. Identifiers: MedGen C3150596, MONDO:0013237, OMIM 613353.
Charcot-Marie-Tooth disease type 4C (CMT4C). Also called: SH3TC2-Related Hereditary Motor and Sensory Neuropathy; CHARCOT-MARIE-TOOTH DISEASE, DEMYELINATING, TYPE 4C; CHARCOT-MARIE-TOOTH DISEASE, DEMYELINATING, AUTOSOMAL RECESSIVE, TYPE 4C; CMT 4C; Charcot-Marie-Tooth Neuropathy Type 4C (CMT4C). Identifiers: Orphanet 99949, MedGen C1866636, MONDO:0011113, OMIM 601596.

Allele frequency attached by ClinVar (database versions not stated): ExAC 0.00001; TOPMed 0.00001; gnomAD exomes 0.00002 and 0.00003.
gnomAD v4.1: 49 of 1,614,150 alleles (0.003%); highest among the groups gnomAD compares: Non-Finnish European, 0.0039%; no homozygotes.

Submissions (6):

Mayo Clinic Laboratories, Mayo Clinic
Classification: Uncertain significance. Last evaluated: 2023-06-16. Review status: criteria provided, single submitter. Criteria: ACMG Guidelines, 2015. Collection method: clinical testing. Allele origin: germline. Observed: 1 variant allele.
Comment: BP4

Ambry Genetics
Classification: Uncertain significance for Inborn genetic diseases. Last evaluated: 2023-04-05. Review status: criteria provided, single submitter. Criteria: Ambry Variant Classification Scheme 2023. Collection method: clinical testing. Allele origin: germline.

Labcorp Genetics (formerly Invitae), Labcorp
Classification: Uncertain significance for Charcot-Marie-Tooth disease type 4. Last evaluated: 2021-10-14. Review status: criteria provided, single submitter. Criteria: Invitae Variant Classification Sherloc (09022015). Collection method: clinical testing. Allele origin: germline.
Comment: This sequence change replaces alanine with threonine at codon 891 of the SH3TC2 protein (p.Ala891Thr). The alanine residue is moderately conserved and there is a small physicochemical difference between alanine and threonine. This variant is present in population databases (rs779223727, ExAC 0.001%). This variant has not been reported in the literature in individuals affected with SH3TC2-related conditions. ClinVar contains an entry for this variant (Variation ID: 219705). Algorithms developed to predict the effect of missense changes on protein structure and function output the following: SIFT: "Tolerated"; PolyPhen-2: "Benign"; Align-GVGD: "Class C0". The threonine amino acid residue is found in multiple mammalian species, which suggests that this missense change does not adversely affect protein function. In summary, the available evidence is currently insufficient to determine the role of this variant in disease. Therefore, it has been classified as a Variant of Uncertain Significance.

Athena Diagnostics
Classification: Uncertain significance. Last evaluated: 2019-08-12. Review status: criteria provided, single submitter. Criteria: Athena Diagnostics Criteria. Collection method: clinical testing. Allele origin: germline.

Illumina Laboratory Services, Illumina
Classification: Uncertain significance for Charcot-Marie-Tooth disease type 4C. Last evaluated: 2018-01-13. Review status: criteria provided, single submitter. Criteria: ICSL Variant Classification Criteria 13 December 2019. Collection method: clinical testing. Allele origin: germline.

Illumina Laboratory Services, Illumina
Classification: Uncertain significance for Susceptibility to mononeuropathy of the median nerve, mild. Last evaluated: 2018-01-13. Review status: criteria provided, single submitter. Criteria: ICSL Variant Classification Criteria 13 December 2019. Collection method: clinical testing. Allele origin: germline.